The following is an entry in ClinVar:

ClinVar aggregate classification (germline): Likely benign. Review status: criteria provided, multiple submitters, no conflicts (2 of 4 stars). 3 submissions from 3 submitters: Likely benign (3). Last evaluated 2026-03-01.

Conditions:
Developmental and epileptic encephalopathy, 9 (DEE9). Also called: Early infantile epileptic encephalopathy 9; EPILEPSY, FEMALE-RESTRICTED, WITH MENTAL RETARDATION; PCDH19-Related X-Linked Female-Limited Epilepsy with Mental Retardation; JUBERG-HELLMAN SYNDROME. Identifiers: Orphanet 101039, Orphanet 2076, MedGen C1848137, MONDO:0010246, OMIM 300088. Disease mechanism: loss of function.

gnomAD v4.1: 20 of 1,208,982 alleles (0.0017%); highest among the groups gnomAD compares: Non-Finnish European, 0.002%; no homozygotes.

Submissions (3):

CeGaT Center for Human Genetics Tuebingen
Classification: Likely benign. Last evaluated: 2026-03-01. Review status: criteria provided, single submitter. Criteria: CeGaT Center For Human Genetics Tuebingen Variant Classification Criteria Version 2. Collection method: clinical testing. Allele origin: germline. Affected: yes. Observed: 1 variant allele.
Comment: PCDH19: BP4, BP7, BS2

Women's Health and Genetics/Laboratory Corporation of America, LabCorp
Classification: Likely benign. Last evaluated: 2024-05-08. Review status: criteria provided, single submitter. Criteria: LabCorp Variant Classification Summary - May 2015. Collection method: clinical testing. Allele origin: germline.
Comment: Variant summary: PCDH19 c.3204C>G alters a non-conserved nucleotide resulting in a synonymous change. Consensus agreement among computation tools predict no significant impact on normal splicing. However, these predictions have yet to be confirmed by functional studies. The variant allele was found at a frequency of 1.7e-05 in 180986 control chromosomes (gnomAD). The available data on variant occurrences in the general population are insufficient to allow any conclusion about variant significance. To our knowledge, no occurrence of c.3204C>G in individuals affected with developmental and epileptic encephalopathy, 9 and no experimental evidence demonstrating its impact on protein function have been reported. ClinVar contains an entry for this variant (Variation ID: 2965953). Based on the evidence outlined above, the variant was classified as likely benign.

Labcorp Genetics (formerly Invitae), Labcorp
Classification: Likely benign for Developmental and epileptic encephalopathy, 9. Last evaluated: 2023-08-30. Review status: criteria provided, single submitter. Criteria: Invitae Variant Classification Sherloc (09022015). Collection method: clinical testing. Allele origin: germline.

NM_001184880.2(PCDH19):c.3204C>G (p.Pro1068=)

Gene: PCDH19 (protocadherin 19; minus strand). Cytogenetic location: Xq22.1.
Variant type: single nucleotide variant.
Coding change: c.3204C>G on transcript NM_001184880.2 (MANE Select); coding-DNA position 3204, C replaced by G.
Protein change: p.Pro1068=; no amino-acid change (proline 1068 retained).
Molecular consequence: synonymous variant.
Genome position (GRCh38, 1-based): chrX:100,296,520, G>C on the plus strand (C>G on the coding strand, the complement: PCDH19 is on the minus strand). VCF-style: chrX-100296520-G-C. GRCh37 (hg19) VCF-style: chrX-99551518-G-C.
Other names: c.3063C>G, p.Pro1021= (NM_001105243.2); c.3060C>G, p.Pro1020= (NM_020766.3).
Identifiers: ClinVar variation 2965953 (VCV002965953.8), dbSNP rs377415279, ClinGen allele CA333818016.